The following is an entry in ClinVar:

NM_000426.4(LAMA2):c.8586T>G (p.Tyr2862Ter)

Gene: LAMA2 (laminin subunit alpha 2; plus strand). Cytogenetic location: 6q22.33.
Variant type: single nucleotide variant.
Coding change: c.8586T>G on transcript NM_000426.4 (MANE Select); coding-DNA position 8586, T replaced by G.
Protein change: p.Tyr2862Ter; replaces tyrosine 2862 with a stop codon.
Molecular consequence: nonsense.
Genome position (GRCh38, 1-based): chr6:129,505,238, T>G. VCF-style: chr6-129505238-T-G. GRCh37 (hg19) VCF-style: chr6-129826383-T-G.
Other names: c.8574T>G, p.Tyr2858Ter (NM_001079823.2); short protein forms Y2858*, Y2862*.
Identifiers: ClinVar variation 2152020 (VCV002152020.4), dbSNP rs142451929, ClinGen allele CA365634795.

ClinVar aggregate classification (germline): Pathogenic (1 of 4 stars; one submission).

Conditions:
LAMA2-related muscular dystrophy (LAMA2-RD). Also called: Laminin alpha 2-related dystrophy. Identifiers: MedGen C5679788, MONDO:0100228.

Submission:

Labcorp Genetics (formerly Invitae), Labcorp
Classification: Pathogenic for LAMA2-related muscular dystrophy. Last evaluated: 2022-06-07. Review status: criteria provided, single submitter. Criteria: Invitae Variant Classification Sherloc (09022015). Collection method: clinical testing. Allele origin: germline.
Comment: This sequence change creates a premature translational stop signal (p.Tyr2862*) in the LAMA2 gene. It is expected to result in an absent or disrupted protein product. Loss-of-function variants in LAMA2 are known to be pathogenic (PMID: 18700894, 32904964). This variant is not present in population databases (gnomAD no frequency). This premature translational stop signal has been observed in individual(s) with congenital muscular dystrophy (PMID: 30055037). In at least one individual the data is consistent with being in trans (on the opposite chromosome) from a pathogenic variant. For these reasons, this variant has been classified as Pathogenic.

Literature cited by the submitters: PubMed 18700894; PubMed 32904964; PubMed 30055037.